The following is an entry in ClinVar:

NM_203447.4(DOCK8):c.5620G>A (p.Glu1874Lys)

Gene: DOCK8 (dedicator of cytokinesis 8; plus strand). Cytogenetic location: 9p24.3.
Variant type: single nucleotide variant.
Coding change: c.5620G>A on transcript NM_203447.4 (MANE Select); coding-DNA position 5620, G replaced by A.
Protein change: p.Glu1874Lys; replaces glutamic acid 1874 with lysine.
Molecular consequence: missense variant.
Genome position (GRCh38, 1-based): chr9:446,409, G>A. VCF-style: chr9-446409-G-A. GRCh37 (hg19) VCF-style: chr9-446409-G-A.
Other names: c.5620G>A (NM_203447.3); c.5320G>A, p.Glu1774Lys (NM_001190458.2); c.5416G>A, p.Glu1806Lys (NM_001193536.2); short protein forms E1774K, E1806K, E1874K.
Identifiers: ClinVar variation 1434225 (VCV001434225.10), dbSNP rs779199376, ClinGen allele CA4959498.

ClinVar aggregate classification (germline): Conflicting classifications of pathogenicity. Review status: criteria provided, conflicting classifications (1 of 4 stars). 3 submissions from 3 submitters: Uncertain significance (2); Likely benign (1). Last evaluated 2026-01-14.

Conditions:
Inborn genetic diseases. Identifiers: MedGen C0950123, MeSH D030342.
Combined immunodeficiency due to DOCK8 deficiency (HIES2). Also called: HIES autosomal recessive; HYPER-IgE RECURRENT INFECTION SYNDROME 2, AUTOSOMAL RECESSIVE; DOCK8 Deficiency; HYPER-IgE SYNDROME 2, AUTOSOMAL RECESSIVE, WITH RECURRENT INFECTIONS; Hyper-IgE recurrent infection syndrome, autosomal recessive. Identifiers: Orphanet 217390, MedGen C4722305, MONDO:0009478, OMIM 243700.

Allele frequency attached by ClinVar (database versions not stated): gnomAD exomes below 0.00001 and 0.00001; ExAC 0.00002; gnomAD 0.00002; TOPMed 0.00002.

Submissions (3):

Labcorp Genetics (formerly Invitae), Labcorp
Classification: Uncertain significance for Combined immunodeficiency due to DOCK8 deficiency. Last evaluated: 2026-01-14. Review status: criteria provided, single submitter. Criteria: Invitae Variant Classification Sherloc (09022015). Collection method: clinical testing. Allele origin: germline.
Comment: This sequence change replaces glutamic acid, which is acidic and polar, with lysine, which is basic and polar, at codon 1874 of the DOCK8 protein (p.Glu1874Lys). This variant is present in population databases (rs779199376, gnomAD 0.002%). This variant has not been reported in the literature in individuals affected with DOCK8-related conditions. ClinVar contains an entry for this variant (Variation ID: 1434225). Invitae Evidence Modeling of protein sequence and biophysical properties (such as structural, functional, and spatial information, amino acid conservation, physicochemical variation, residue mobility, and thermodynamic stability) indicates that this missense variant is not expected to disrupt DOCK8 protein function with a negative predictive value of 80%. In summary, the available evidence is currently insufficient to determine the role of this variant in disease. Therefore, it has been classified as a Variant of Uncertain Significance.

3billion
Classification: Likely benign for Combined immunodeficiency due to DOCK8 deficiency. Last evaluated: 2024-09-20. Review status: criteria provided, single submitter. Criteria: ACMG Guidelines, 2015. Collection method: clinical testing. Allele origin: germline. Affected: no.
Comment: The homozygous variant was found in patients diagnosed with another variant in a different gene, with no symptoms related to the gene containing the homozygous variant.

Ambry Genetics
Classification: Uncertain significance for Inborn genetic diseases. Last evaluated: 2023-03-01. Review status: criteria provided, single submitter. Criteria: Ambry Variant Classification Scheme 2023. Collection method: clinical testing. Allele origin: germline.